The following is an entry in ClinVar:

NM_001035.3(RYR2):c.942T>C (p.Leu314=)

Gene: RYR2 (ryanodine receptor 2; plus strand). Cytogenetic location: 1q43.
Variant type: single nucleotide variant.
Coding change: c.942T>C on transcript NM_001035.3 (MANE Select); coding-DNA position 942, T replaced by C.
Protein change: p.Leu314=; no amino-acid change (leucine 314 retained).
Molecular consequence: synonymous variant.
Genome position (GRCh38, 1-based): chr1:237,423,185, T>C. VCF-style: chr1-237423185-T-C. GRCh37 (hg19) VCF-style: chr1-237586485-T-C.
Other names: c.942T>C (NM_001035.2).
Identifiers: ClinVar variation 3072421 (VCV003072421.2), dbSNP rs1197359580, ClinGen allele CA423810955.

ClinVar aggregate classification (germline): Likely benign. Review status: criteria provided, multiple submitters, no conflicts (2 of 4 stars). 2 submissions from 2 submitters: Likely benign (2). Last evaluated 2025-10-12.

Conditions:
Cardiovascular phenotype. Identifiers: MedGen CN230736.
Catecholaminergic polymorphic ventricular tachycardia (CVPT). Also called: Catecholamine-induced polymorphic ventricular tachycardia. Identifiers: Orphanet 3286, MedGen C5574922, MONDO:0017990.

Allele frequency attached by ClinVar (database versions not stated): gnomAD 0.00001; TOPMed below 0.00001; gnomAD exomes 0.00001.
gnomAD v4.1: 7 of 1,613,690 alleles (0.00043%); highest among the groups gnomAD compares: East Asian, 0.013%; no homozygotes.

Submissions (2):

Ambry Genetics
Classification: Likely benign for Cardiovascular phenotype. Last evaluated: 2025-10-12. Review status: criteria provided, single submitter. Criteria: Ambry Variant Classification Scheme 2023. Collection method: clinical testing. Allele origin: germline.

All of Us Research Program, National Institutes of Health
Classification: Likely benign for Catecholaminergic polymorphic ventricular tachycardia. Last evaluated: 2023-07-10. Review status: criteria provided, single submitter. Criteria: ACMG Guidelines, 2015. Collection method: clinical testing. Allele origin: germline. Inheritance: Autosomal dominant inheritance. Observed: 1 variant allele, 1 heterozygote.
Comment: This study involves interpretation of variants in research participants for the purpose of population health screening. Participant phenotype was not available at the time of variant classification. Additional details can be found in publication PMID: 35346344, PMCID: PMC8962531